The following is an entry in ClinVar:

NM_015450.3(POT1):c.1828T>A (p.Tyr610Asn)

Gene: POT1 (protection of telomeres 1; minus strand). Cytogenetic location: 7q31.33.
Variant type: single nucleotide variant.
Coding change: c.1828T>A on transcript NM_015450.3 (MANE Select); coding-DNA position 1828, T replaced by A.
Protein change: p.Tyr610Asn; replaces tyrosine 610 with asparagine.
Molecular consequence: missense variant. On other transcripts: non-coding transcript variant (3).
Genome position (GRCh38, 1-based): chr7:124,824,039, A>T on the plus strand (T>A on the coding strand, the complement: POT1 is on the minus strand). VCF-style: chr7-124824039-A-T. GRCh37 (hg19) VCF-style: chr7-124464093-A-T.
Other names: c.1435T>A, p.Tyr479Asn (NM_001042594.2); short protein forms Y610N, Y479N.
Identifiers: ClinVar variation 4765980 (VCV004765980.1).

ClinVar aggregate classification (germline): Uncertain significance (1 of 4 stars; one submission).

Conditions:
Tumor predisposition syndrome 3 (TPDS3). Also called: Glioma susceptibility 9; Melanoma, cutaneous malignant, susceptibility to, 10; LONG TELOMERE SYNDROME, POT1-RELATED; POT1 Tumor Predisposition. Identifiers: Orphanet 618, MedGen C4014476, MONDO:0014368, OMIM 615848.

gnomAD v4.1: 1 of 1,608,546 alleles (0.000062%); highest among the groups gnomAD compares: Non-Finnish European, 0.000085%; no homozygotes.

Submission:

Labcorp Genetics (formerly Invitae), Labcorp
Classification: Uncertain significance for Tumor predisposition syndrome 3. Last evaluated: 2025-03-02. Review status: criteria provided, single submitter. Criteria: Invitae Variant Classification Sherloc (09022015). Collection method: clinical testing. Allele origin: germline.
Comment: This sequence change replaces tyrosine, which is neutral and polar, with asparagine, which is neutral and polar, at codon 610 of the POT1 protein (p.Tyr610Asn). This variant is present in population databases (no rsID available, gnomAD 0.007%). This variant has not been reported in the literature in individuals affected with POT1-related conditions. Invitae Evidence Modeling of protein sequence and biophysical properties (such as structural, functional, and spatial information, amino acid conservation, physicochemical variation, residue mobility, and thermodynamic stability) indicates that this missense variant is not expected to disrupt POT1 protein function with a negative predictive value of 80%. In summary, the available evidence is currently insufficient to determine the role of this variant in disease. Therefore, it has been classified as a Variant of Uncertain Significance.